The following is an entry in ClinVar:

ClinVar aggregate classification (germline): Uncertain significance (1 of 4 stars; one submission).

Conditions:
Glomuvenous malformation. Also called: VENOUS MALFORMATIONS WITH GLOMUS CELLS; Familial glomangioma; GLOMANGIOMAS, MULTIPLE; GLOMUS TUMORS, MULTIPLE. Identifiers: Orphanet 83454, MedGen C1841984, MONDO:0007672, OMIM 138000.

Submission:

Clinical Genomics Laboratory, Washington University in St. Louis
Classification: Uncertain significance for Glomuvenous malformation. Last evaluated: 2023-09-01. Review status: criteria provided, single submitter. Criteria: ACMG Guidelines, 2015. Collection method: clinical testing. Allele origin: somatic.
Comment: The GLMN c.1687_1688del (p.Phe563HisfsTer3) variant was identified at an allelic fraction consistent with somatic origin. This variant, to our knowledge, has not been reported in the medical literature. This variant is absent from the general population (gnomAD v.3.1.2), indicating it is not a common variant. This variant causes a frameshift by deleting two nucleotides, leading to a premature termination codon; however, because this occurs in the last exon, this is not predicted to lead to nonsense-mediated decay. Loss-of-function variants have been reported in glomuvenous malformation and Blue rubber bleb nevus syndrome (Brouillard P et al., PMID: 15689436, Borroni RG et al., PMID: 24961656; Borroni RG et al., PMID: 24345188; Brouillard P et al., PMID: 23801931; Amyere M et al., PMID: 23375657; Brouillard P et al., PMID: 11845407; Yin J et al., PMID: 31793416). A concurrent variant at a heterozygous allelic fraction, GLMN c.395-1G>C, is identified; however, whether these variants are in cis or trans, can not be determined by this assay. The GLMN c.1687_1688del (p.Phe563HisfsTer3) variant is predicted to result in a loss of function allele. The two-hit model for glomuvenous malformations involving the GLMN gene has been reported in the literature (Brouillard P et al., PMID: 23801931; Brouillard P et al., PMID: 15689436; Amyere M et al., PMID: 23375657; Amyere M et al., PMID: 23375657; Borroni RG et al., PMID: 24961656; Brouillard et al., PMID: 11845407). Due to limited information and based on an internally-developed protocol informed by the ACMG/AMP guidelines (Richards S et al., PMID: 25741868) and gene-specific practices from the ClinGen Criteria Specification Registry, the clinical significance of this variant is uncertain at this time.

NM_053274.3(GLMN):c.1687_1688del (p.Phe563fs)

Gene: GLMN (glomulin, FKBP associated protein; minus strand). Cytogenetic location: 1p22.1.
Variant type: Deletion.
Coding change: c.1687_1688del on transcript NM_053274.3 (MANE Select); coding-DNA positions 1687 to 1688, 2 bases deleted (TT; older notation c.1687_1688delTT).
Protein change: p.Phe563fs; shifts the reading frame from phenylalanine 563.
Molecular consequence: frameshift variant. On other transcripts: non-coding transcript variant (1).
Genome position (GRCh38, 1-based): chr1:92,246,627-92,246,628, AA deleted on the plus strand (TT on the coding strand, the reverse complement: GLMN is on the minus strand); deleting any 2 consecutive bases within chr1:92,246,627-92,246,630 gives the same sequence; the c. name uses the placement nearest the transcript's 3' end. VCF-style (leftmost placement, unchanged base first): chr1-92246626-GAA-G. GRCh37 (hg19) VCF-style: chr1-92712183-GAA-G.
Other names: c.1645_1646del, p.Phe549fs (NM_001319683.2); short protein forms F549fs, F563fs.
Identifiers: ClinVar variation 2672089 (VCV002672089.1), dbSNP rs2523729338, ClinGen allele CA2695198057.